The following is an entry in ClinVar:

ClinVar aggregate classification (germline): Pathogenic (1 of 4 stars; one submission).

Submission:

Labcorp Genetics (formerly Invitae), Labcorp
Classification: Pathogenic. Last evaluated: 2023-01-28. Review status: criteria provided, single submitter. Criteria: Invitae Variant Classification Sherloc (09022015). Collection method: clinical testing. Allele origin: germline.
Comment: This variant has not been reported in the literature in individuals affected with TONSL-related conditions. This variant is not present in population databases (gnomAD no frequency). For these reasons, this variant has been classified as Pathogenic. This sequence change creates a premature translational stop signal (p.Leu1062Alafs*27) in the TONSL gene. It is expected to result in an absent or disrupted protein product. Loss-of-function variants in TONSL are known to be pathogenic (PMID: 30773277).

Literature cited by the submitters: PubMed 30773277.

NM_013432.5(TONSL):c.3183_3184del (p.Leu1062fs)

Gene: TONSL (tonsoku like, DNA repair protein; minus strand). Cytogenetic location: 8q24.3.
Variant type: Deletion.
Coding change: c.3183_3184del on transcript NM_013432.5 (MANE Select); coding-DNA positions 3183 to 3184, 2 bases deleted (CC; older notation c.3183_3184delCC).
Protein change: p.Leu1062fs; shifts the reading frame from leucine 1062.
Molecular consequence: frameshift variant.
Genome position (GRCh38, 1-based): chr8:144,434,181-144,434,182, GG deleted on the plus strand (CC on the coding strand, the reverse complement: TONSL is on the minus strand); deleting any 2 consecutive bases within chr8:144,434,181-144,434,184 gives the same sequence; the c. name uses the placement nearest the transcript's 3' end. VCF-style (leftmost placement, unchanged base first): chr8-144434180-AGG-A. GRCh37 (hg19) VCF-style: chr8-145659563-AGG-A.
Other names: short protein forms L1062fs.
Identifiers: ClinVar variation 2977501 (VCV002977501.3), dbSNP rs2537481541, ClinGen allele CA2689103612.